The following is an entry in ClinVar:

NM_001371596.2(MFSD8):c.119G>C (p.Arg40Thr)

Gene: MFSD8 (major facilitator superfamily domain containing 8; minus strand). Cytogenetic location: 4q28.2.
Variant type: single nucleotide variant.
Coding change: c.119G>C on transcript NM_001371596.2 (MANE Select); coding-DNA position 119, G replaced by C.
Protein change: p.Arg40Thr; replaces arginine 40 with threonine.
Molecular consequence: missense variant. On other transcripts: 5 prime UTR variant (1).
Genome position (GRCh38, 1-based): chr4:127,957,536, C>G on the plus strand (G>C on the coding strand, the complement: MFSD8 is on the minus strand). VCF-style: chr4-127957536-C-G. GRCh37 (hg19) VCF-style: chr4-128878691-C-G.
Other names: c.119G>C, p.Arg40Thr (NM_001363520.3, NM_001363521.3, NM_001371591.2 and 5 more transcripts); c.-17G>C (NM_001371590.2, NM_001371595.1, NM_001410765.1); short protein forms R40T.
Identifiers: ClinVar variation 2053097 (VCV002053097.4), dbSNP rs768336733, ClinGen allele CA3077569.

ClinVar aggregate classification (germline): Uncertain significance. Review status: criteria provided, multiple submitters, no conflicts (2 of 4 stars). 2 submissions from 2 submitters: Uncertain significance (2). Last evaluated 2025-01-13.

Conditions:
Neuronal ceroid lipofuscinosis 7 (CLN7). Also called: MFSD8-Related Neuronal Ceroid-Lipofuscinosis. Identifiers: Orphanet 168491, Orphanet 228366, MedGen C1838571, MONDO:0012588, OMIM 610951.

Allele frequency attached by ClinVar (database versions not stated): gnomAD exomes below 0.00001; ExAC 0.00001; TOPMed 0.00001.
gnomAD v4.1: 2 of 1,611,618 alleles (0.00012%); highest among the groups gnomAD compares: Admixed American, 0.0033%; no homozygotes.

Submissions (2):

Labcorp Genetics (formerly Invitae), Labcorp
Classification: Uncertain significance for Neuronal ceroid lipofuscinosis 7. Last evaluated: 2025-01-13. Review status: criteria provided, single submitter. Criteria: Invitae Variant Classification Sherloc (09022015). Collection method: clinical testing. Allele origin: germline.
Comment: This sequence change replaces arginine, which is basic and polar, with threonine, which is neutral and polar, at codon 40 of the MFSD8 protein (p.Arg40Thr). This variant is present in population databases (rs768336733, gnomAD 0.006%). This variant has not been reported in the literature in individuals affected with MFSD8-related conditions. ClinVar contains an entry for this variant (Variation ID: 2053097). Invitae Evidence Modeling of protein sequence and biophysical properties (such as structural, functional, and spatial information, amino acid conservation, physicochemical variation, residue mobility, and thermodynamic stability) indicates that this missense variant is not expected to disrupt MFSD8 protein function with a negative predictive value of 80%. In summary, the available evidence is currently insufficient to determine the role of this variant in disease. Therefore, it has been classified as a Variant of Uncertain Significance.

Blueprint Genetics
Classification: Uncertain significance. Last evaluated: 2021-12-03. Review status: criteria provided, single submitter. Criteria: ACMG Guidelines, 2015. Collection method: clinical testing. Allele origin: germline.